The following is an entry in ClinVar:

ClinVar aggregate classification (germline): Benign. Review status: criteria provided, multiple submitters, no conflicts (2 of 4 stars). 2 submissions from 2 submitters: Benign (2). Last evaluated 2018-06-14.

Allele frequency attached by ClinVar (database versions not stated): 1000 Genomes Project 30x 0.35087; 1000 Genomes Project 0.35743; gnomAD 0.36611 and 0.37107; TOPMed 0.36846; ESP Exome Variant Server 0.37214; ExAC 0.42030; gnomAD exomes 0.42441 and 0.44774.
gnomAD v4.1: 671,139 of 1,526,540 alleles (44%); highest among the groups gnomAD compares: East Asian, 57%; 151,359 homozygotes.

Submissions (2):

GeneDx
Classification: Benign. Last evaluated: 2018-06-14. Review status: criteria provided, single submitter. Criteria: GeneDx Variant Classification (06012015). Collection method: clinical testing. Allele origin: germline. Affected: yes.
Comment: This variant is considered likely benign or benign based on one or more of the following criteria: it is a conservative change, it occurs at a poorly conserved position in the protein, it is predicted to be benign by multiple in silico algorithms, and/or has population frequency not consistent with disease.

Breakthrough Genomics
Classification: Benign. Review status: criteria provided, single submitter. Criteria: ACMG Guidelines, 2015. Collection method: not provided. Allele origin: germline. Inheritance: Autosomal recessive inheritance. Affected: yes.

NM_006767.4(LZTR1):c.201-50G>A

Gene: LZTR1 (leucine zipper like post translational regulator 1; plus strand). Cytogenetic location: 22q11.21.
Variant type: single nucleotide variant.
Coding change: c.201-50G>A on transcript NM_006767.4 (MANE Select); 50 bases into the intron before coding-DNA position 201, G replaced by A.
Molecular consequence: intron variant.
Genome position (GRCh38, 1-based): chr22:20,982,977, G>A. VCF-style: chr22-20982977-G-A. GRCh37 (hg19) VCF-style: chr22-21337266-G-A.
Identifiers: ClinVar variation 561409 (VCV000561409.2), dbSNP rs178280, ClinGen allele CA10118297.
Genomic context (GRCh38, chr22:20,982,977, plus strand): 5'-AGTTGAGAGGTGATACCTAACTTCCGTGGCAGCTCTCCTGCTTAGTCCCATTCCTTGGGT[G>A]CCCCCCAGGAGGGTCCTGTCCTTACCGCCCTCCACTCCTTTCTTTCCAGGCGCAGCAAGC-3'